The following is an entry in ClinVar:

ClinVar aggregate classification (germline): Uncertain significance. Review status: criteria provided, multiple submitters, no conflicts (2 of 4 stars). 3 submissions from 3 submitters: Uncertain significance (3). Last evaluated 2024-06-01.

Conditions:
Inborn genetic diseases. Identifiers: MedGen C0950123, MeSH D030342.
Neuropathy, hereditary sensory and autonomic, type 1C. Also called: HSAN IC; HSN IC. Identifiers: Orphanet 36386, MedGen C3150896, MONDO:0013337, OMIM 613640.

Allele frequency attached by ClinVar (database versions not stated): gnomAD exomes below 0.00001; TOPMed below 0.00001; gnomAD 0.00001.
gnomAD v4.1: 9 of 1,613,454 alleles (0.00056%); highest among the groups gnomAD compares: East Asian, 0.0022%; no homozygotes.

Submissions (3):

Labcorp Genetics (formerly Invitae), Labcorp
Classification: Uncertain significance for Neuropathy, hereditary sensory and autonomic, type 1C. Last evaluated: 2024-06-01. Review status: criteria provided, single submitter. Criteria: Invitae Variant Classification Sherloc (09022015). Collection method: clinical testing. Allele origin: germline.
Comment: This sequence change replaces arginine, which is basic and polar, with histidine, which is basic and polar, at codon 452 of the SPTLC2 protein (p.Arg452His). This variant is present in population databases (no rsID available, gnomAD 0.0009%). This variant has not been reported in the literature in individuals affected with SPTLC2-related conditions. ClinVar contains an entry for this variant (Variation ID: 1370522). Advanced modeling of protein sequence and biophysical properties (such as structural, functional, and spatial information, amino acid conservation, physicochemical variation, residue mobility, and thermodynamic stability) performed at Invitae indicates that this missense variant is not expected to disrupt SPTLC2 protein function with a negative predictive value of 80%. In summary, the available evidence is currently insufficient to determine the role of this variant in disease. Therefore, it has been classified as a Variant of Uncertain Significance.

Ambry Genetics
Classification: Uncertain significance for Inborn genetic diseases. Last evaluated: 2024-01-03. Review status: criteria provided, single submitter. Criteria: Ambry Variant Classification Scheme 2023. Collection method: clinical testing. Allele origin: germline.

CeGaT Center for Human Genetics Tuebingen
Classification: Uncertain significance. Last evaluated: 2022-12-01. Review status: criteria provided, single submitter. Criteria: CeGaT Center For Human Genetics Tuebingen Variant Classification Criteria Version 2. Collection method: clinical testing. Allele origin: germline. Affected: yes. Observed: 1 variant allele.
Comment: SPTLC2: PM2

NM_004863.4(SPTLC2):c.1355G>A (p.Arg452His)

Gene: SPTLC2 (serine palmitoyltransferase long chain base subunit 2; minus strand). Cytogenetic location: 14q24.3.
Variant type: single nucleotide variant.
Coding change: c.1355G>A on transcript NM_004863.4 (MANE Select); coding-DNA position 1355, G replaced by A.
Protein change: p.Arg452His; replaces arginine 452 with histidine.
Molecular consequence: missense variant.
Genome position (GRCh38, 1-based): chr14:77,521,530, C>T on the plus strand (G>A on the coding strand, the complement: SPTLC2 is on the minus strand). VCF-style: chr14-77521530-C-T. GRCh37 (hg19) VCF-style: chr14-77987873-C-T.
Other names: short protein forms R452H.
Identifiers: ClinVar variation 1370522 (VCV001370522.31), dbSNP rs1458871280, ClinGen allele CA390700952.